The following is an entry in ClinVar:

NM_001385125.1(OPN1SW):c.746T>C (p.Val249Ala)

Gene: OPN1SW (opsin 1, short wave sensitive; minus strand). Cytogenetic location: 7q32.1.
Variant type: single nucleotide variant.
Coding change: c.746T>C on transcript NM_001385125.1 (MANE Select); coding-DNA position 746, T replaced by C.
Protein change: p.Val249Ala; replaces valine 249 with alanine.
Molecular consequence: missense variant.
Genome position (GRCh38, 1-based): chr7:128,773,821, A>G on the plus strand (T>C on the coding strand, the complement: OPN1SW is on the minus strand). VCF-style: chr7-128773821-A-G. GRCh37 (hg19) VCF-style: chr7-128413875-A-G.
Other names: short protein forms V249A.
Identifiers: ClinVar variation 1026501 (VCV001026501.8), dbSNP rs1322930931, ClinGen allele CA369217971.
Genomic context (GRCh38, chr7:128,773,821, plus strand): 5'-ATGTACATGGCGAAGGCCGCGTAGGGCACGTAGCAGACACAGAAGGATCCTACCATCACA[A>G]CCACCATGCGGCTCACCTCCCGTTCAGCCTTCTGGGTCGTAGCTGACTCCTGCTGCTGAG-3'
Protein context (NP_001372054.1, residues 239-259): KAEREVSRMV[Val249Ala]VMVGSFCVCY

ClinVar aggregate classification (germline): Uncertain significance (1 of 4 stars; one submission).

Allele frequency attached by ClinVar (database versions not stated): gnomAD 0.00001; gnomAD exomes 0.00001.

Submission:

Labcorp Genetics (formerly Invitae), Labcorp
Classification: Uncertain significance. Last evaluated: 2022-11-29. Review status: criteria provided, single submitter. Criteria: Invitae Variant Classification Sherloc (09022015). Collection method: clinical testing. Allele origin: germline.
Comment: ClinVar contains an entry for this variant (Variation ID: 1026501). In summary, the available evidence is currently insufficient to determine the role of this variant in disease. Therefore, it has been classified as a Variant of Uncertain Significance. Algorithms developed to predict the effect of missense changes on protein structure and function (SIFT, PolyPhen-2, Align-GVGD) all suggest that this variant is likely to be disruptive. This variant has not been reported in the literature in individuals affected with OPN1SW-related conditions. This variant is present in population databases (no rsID available, gnomAD 0.006%). This sequence change replaces valine, which is neutral and non-polar, with alanine, which is neutral and non-polar, at codon 252 of the OPN1SW protein (p.Val252Ala).